The following is an entry in ClinVar:

ClinVar aggregate classification (germline): Uncertain significance (1 of 4 stars; one submission).

Submission:

GeneDx
Classification: Uncertain significance. Last evaluated: 2019-10-30. Review status: criteria provided, single submitter. Criteria: GeneDx Variant Classification Process June 2021. Collection method: clinical testing. Allele origin: germline. Affected: yes.
Comment: Has not been previously published as pathogenic or benign to our knowledge; Not observed in large population cohorts (Lek et al., 2016); In silico analysis, which includes protein predictors and evolutionary conservation, supports that this variant does not alter protein structure/function

NM_001854.4(COL11A1):c.1894A>G (p.Met632Val)

Gene: COL11A1 (collagen type XI alpha 1 chain; minus strand). Cytogenetic location: 1p21.1.
Variant type: single nucleotide variant.
Coding change: c.1894A>G on transcript NM_001854.4 (MANE Select); coding-DNA position 1894, A replaced by G.
Protein change: p.Met632Val; replaces methionine 632 with valine.
Molecular consequence: missense variant. On other transcripts: non-coding transcript variant (1).
Genome position (GRCh38, 1-based): chr1:103,004,613, T>C on the plus strand (A>G on the coding strand, the complement: COL11A1 is on the minus strand). VCF-style: chr1-103004613-T-C. GRCh37 (hg19) VCF-style: chr1-103470169-T-C.
Other names: c.1777A>G, p.Met593Val (NM_001190709.2); c.1930A>G, p.Met644Val (NM_080629.3); c.1546A>G, p.Met516Val (NM_080630.4); short protein forms M516V, M593V, M632V, M644V.
Identifiers: ClinVar variation 1309832 (VCV001309832.2), dbSNP rs2101843713, ClinGen allele CA341172830.